The following is an entry in ClinVar:

NM_018979.4(WNK1):c.5693G>C (p.Ser1898Thr)

Gene: WNK1 (WNK lysine deficient protein kinase 1; plus strand). Cytogenetic location: 12p13.33.
Variant type: single nucleotide variant.
Coding change: c.5693G>C on transcript NM_018979.4 (MANE Select); coding-DNA position 5693, G replaced by C.
Protein change: p.Ser1898Thr; replaces serine 1898 with threonine.
Molecular consequence: missense variant.
Genome position (GRCh38, 1-based): chr12:896,180, G>C. VCF-style: chr12-896180-G-C. GRCh37 (hg19) VCF-style: chr12-1005346-G-C.
Other names: c.6473G>C, p.Ser2158Thr (NM_001184985.2); c.4949G>C, p.Ser1650Thr (NM_014823.3); c.6449G>C, p.Ser2150Thr (NM_213655.5); short protein forms S1650T, S2158T, S1898T, S2150T.
Identifiers: ClinVar variation 2053632 (VCV002053632.5), dbSNP rs1193887255, ClinGen allele CA383334804.

ClinVar aggregate classification (germline): Uncertain significance. Review status: criteria provided, multiple submitters, no conflicts (2 of 4 stars). 2 submissions from 2 submitters: Uncertain significance (2). Last evaluated 2024-08-20.

Conditions:
Neuropathy, hereditary sensory and autonomic, type 2A (HSAN2A). Also called: ACROOSTEOLYSIS, GIACCAI TYPE; ACROOSTEOLYSIS, NEUROGENIC; MORVAN DISEASE; NEUROPATHY, CONGENITAL SENSORY; NEUROPATHY, HEREDITARY SENSORY RADICULAR, AUTOSOMAL RECESSIVE; NEUROPATHY, HEREDITARY SENSORY, TYPE IIA. Identifiers: Orphanet 970, MedGen C2752089, MONDO:0024309, OMIM 201300.
Pseudohypoaldosteronism type 2C (PHA2C). Also called: Pseudohypoaldosteronism Type IIC. Identifiers: Orphanet 757, Orphanet 88940, MedGen C1840391, MONDO:0013778, OMIM 614492.

gnomAD v4.1: 2 of 1,614,194 alleles (0.00012%); highest among the groups gnomAD compares: Admixed American, 0.0017%; no homozygotes.

Submissions (2):

Revvity Omics, Revvity
Classification: Uncertain significance. Last evaluated: 2024-08-20. Review status: criteria provided, single submitter. Criteria: ACMG Guidelines, 2015. Collection method: clinical testing. Allele origin: germline.

Labcorp Genetics (formerly Invitae), Labcorp
Classification: Uncertain significance for Neuropathy, hereditary sensory and autonomic, type 2A; Pseudohypoaldosteronism type 2C. Last evaluated: 2022-04-25. Review status: criteria provided, single submitter. Criteria: Invitae Variant Classification Sherloc (09022015). Collection method: clinical testing. Allele origin: germline.
Comment: This variant is not present in population databases (gnomAD no frequency). This sequence change replaces serine, which is neutral and polar, with threonine, which is neutral and polar, at codon 2150 of the WNK1 protein (p.Ser2150Thr). This variant has not been reported in the literature in individuals affected with WNK1-related conditions. In summary, the available evidence is currently insufficient to determine the role of this variant in disease. Therefore, it has been classified as a Variant of Uncertain Significance. Advanced modeling of protein sequence and biophysical properties (such as structural, functional, and spatial information, amino acid conservation, physicochemical variation, residue mobility, and thermodynamic stability) performed at Invitae indicates that this missense variant is not expected to disrupt WNK1 protein function.